The following is an entry in ClinVar:

NM_022455.5(NSD1):c.7259C>T (p.Pro2420Leu)

Gene: NSD1 (nuclear receptor binding SET domain protein 1; plus strand). Cytogenetic location: 5q35.3.
Variant type: single nucleotide variant.
Coding change: c.7259C>T on transcript NM_022455.5 (MANE Select); coding-DNA position 7259, C replaced by T.
Protein change: p.Pro2420Leu; replaces proline 2420 with leucine.
Molecular consequence: missense variant.
Genome position (GRCh38, 1-based): chr5:177,294,627, C>T. VCF-style: chr5-177294627-C-T. GRCh37 (hg19) VCF-style: chr5-176721628-C-T.
Other names: c.6386C>T, p.Pro2129Leu (NM_001365684.2, NM_001409308.1, NM_172349.5); c.7259C>T, p.Pro2420Leu (NM_001409301.1, NM_001409302.1, NM_001409303.1); c.6839C>T, p.Pro2280Leu (NM_001409304.1); c.6506C>T, p.Pro2169Leu (NM_001409305.1); c.6497C>T, p.Pro2166Leu (NM_001409306.1, NM_001409307.1); c.6137C>T, p.Pro2046Leu (NM_001409309.1); short protein forms P2151L, P2420L, P2129L, P2169L, P2280L, P2046L, P2166L.
Identifiers: ClinVar variation 1329685 (VCV001329685.2), dbSNP rs1271164466, ClinGen allele CA362329113.

ClinVar aggregate classification (germline): Uncertain significance (1 of 4 stars; one submission).

Submission:

GeneDx
Classification: Uncertain significance. Last evaluated: 2021-06-23. Review status: criteria provided, single submitter. Criteria: GeneDx Variant Classification Process June 2021. Collection method: clinical testing. Allele origin: germline. Affected: yes.
Comment: Not observed at significant frequency in large population cohorts (Lek et al., 2016); In silico analysis supports that this missense variant does not alter protein structure/function; Has not been previously published as pathogenic or benign to our knowledge; This variant is associated with the following publications: (PMID: 27535533)